The following is an entry in ClinVar:

NM_006031.6(PCNT):c.3340C>T (p.His1114Tyr)

Gene: PCNT (pericentrin; plus strand). Cytogenetic location: 21q22.3.
Variant type: single nucleotide variant.
Coding change: c.3340C>T on transcript NM_006031.6 (MANE Select); coding-DNA position 3340, C replaced by T.
Protein change: p.His1114Tyr; replaces histidine 1114 with tyrosine.
Molecular consequence: missense variant.
Genome position (GRCh38, 1-based): chr21:46,385,859, C>T. VCF-style: chr21-46385859-C-T. GRCh37 (hg19) VCF-style: chr21-47805774-C-T.
Other names: c.2986C>T, p.His996Tyr (NM_001315529.2); c.3340C>T (NM_006031.5); short protein forms H996Y, H1114Y.
Identifiers: ClinVar variation 2977143 (VCV002977143.3), dbSNP rs369608899, ClinGen allele CA10079261.

ClinVar aggregate classification (germline): Uncertain significance. Review status: criteria provided, multiple submitters, no conflicts (2 of 4 stars). 3 submissions from 3 submitters: Uncertain significance (2). 1 of the submissions does not count toward it. Last evaluated 2025-02-11.

Conditions:
Inborn genetic diseases. Identifiers: MedGen C0950123, MeSH D030342.
PCNT-related disorder. Also called: PCNT-related condition.

Allele frequency attached by ClinVar (database versions not stated): gnomAD exomes 0.00001; ExAC 0.00002; gnomAD 0.00003; TOPMed 0.00005; ESP Exome Variant Server 0.00008.
gnomAD v4.1: 15 of 1,614,096 alleles (0.00093%); highest among the groups gnomAD compares: African/African-American, 0.019%; no homozygotes.

Submissions (3):

Ambry Genetics
Classification: Uncertain significance for Inborn genetic diseases. Last evaluated: 2025-02-11. Review status: criteria provided, single submitter. Criteria: Ambry Variant Classification Scheme 2023. Collection method: clinical testing. Allele origin: germline.

Labcorp Genetics (formerly Invitae), Labcorp
Classification: Uncertain significance. Last evaluated: 2023-09-08. Review status: criteria provided, single submitter. Criteria: Invitae Variant Classification Sherloc (09022015). Collection method: clinical testing. Allele origin: germline.
Comment: In summary, the available evidence is currently insufficient to determine the role of this variant in disease. Therefore, it has been classified as a Variant of Uncertain Significance. An algorithm developed to predict the effect of missense changes on protein structure and function (PolyPhen-2) suggests that this variant¬†is likely to be tolerated. This variant has not been reported in the literature in individuals affected with PCNT-related conditions. This variant is present in population databases (rs369608899, gnomAD 0.02%). This sequence change replaces histidine, which is basic and polar, with tyrosine, which is neutral and polar, at codon 1114 of the PCNT protein (p.His1114Tyr).

PreventionGenetics, part of Exact Sciences
Classification: Uncertain significance for PCNT-related condition. Last evaluated: 2024-04-07. Review status: no assertion criteria provided. Collection method: clinical testing. Allele origin: germline. Not counted in ClinVar's aggregate classification.
Comment: The PCNT c.3340C>T variant is predicted to result in the amino acid substitution p.His1114Tyr. To our knowledge, this variant has not been reported in the literature. This variant is reported in 0.016% of alleles in individuals of African descent in gnomAD. At this time, the clinical significance of this variant is uncertain due to the absence of conclusive functional and genetic evidence.